The following is an entry in ClinVar:

NM_000702.4(ATP1A2):c.2439+6C>T

Gene: ATP1A2 (ATPase Na+/K+ transporting subunit alpha 2; plus strand). Cytogenetic location: 1q23.2.
Variant type: single nucleotide variant.
Coding change: c.2439+6C>T on transcript NM_000702.4 (MANE Select); 6 bases into the intron after coding-DNA position 2439, C replaced by T.
Molecular consequence: intron variant.
Genome position (GRCh38, 1-based): chr1:160,135,999, C>T. VCF-style: chr1-160135999-C-T. GRCh37 (hg19) VCF-style: chr1-160105789-C-T.
Identifiers: ClinVar variation 204873 (VCV000204873.7), dbSNP rs374355050, ClinGen allele CA313250.

ClinVar aggregate classification (germline): Conflicting classifications of pathogenicity. Review status: criteria provided, conflicting classifications (1 of 4 stars). 3 submissions from 3 submitters: Uncertain significance (1); Benign (1); Likely benign (1). Last evaluated 2025-02-17.

Conditions:
Familial hemiplegic migraine. Identifiers: MedGen C0338484, MONDO:0000700.

Allele frequency attached by ClinVar (database versions not stated): gnomAD 0.00003; TOPMed 0.00006.
gnomAD v4.1: 30 of 1,613,826 alleles (0.0019%); highest among the groups gnomAD compares: African/African-American, 0.021%; no homozygotes.

Submissions (3):

Labcorp Genetics (formerly Invitae), Labcorp
Classification: Uncertain significance for Familial hemiplegic migraine. Last evaluated: 2025-02-17. Review status: criteria provided, single submitter. Criteria: Invitae Variant Classification Sherloc (09022015). Collection method: clinical testing. Allele origin: germline.
Comment: This sequence change falls in intron 17 of the ATP1A2 gene. It does not directly change the encoded amino acid sequence of the ATP1A2 protein. It affects a nucleotide within the consensus splice site. This variant is present in population databases (rs374355050, gnomAD 0.01%). This variant has not been reported in the literature in individuals affected with ATP1A2-related conditions. ClinVar contains an entry for this variant (Variation ID: 204873). Variants that disrupt the consensus splice site are a relatively common cause of aberrant splicing (PMID: 17576681, 9536098). Algorithms developed to predict the effect of sequence changes on RNA splicing suggest that this variant is not likely to affect RNA splicing. In summary, the available evidence is currently insufficient to determine the role of this variant in disease. Therefore, it has been classified as a Variant of Uncertain Significance.

Blueprint Genetics
Classification: Likely benign. Last evaluated: 2021-08-25. Review status: criteria provided, single submitter. Criteria: ACMG Guidelines, 2015. Collection method: clinical testing. Allele origin: germline.

GeneDx
Classification: Benign. Last evaluated: 2015-01-02. Review status: criteria provided, single submitter. Criteria: GeneDx Variant Classification (06012015). Collection method: clinical testing. Allele origin: germline. Affected: yes.
Comment: This variant is considered likely benign or benign based on one or more of the following criteria: it is a conservative change, it occurs at a poorly conserved position in the protein, it is predicted to be benign by multiple in silico algorithms, and/or has population frequency not consistent with disease.

Literature cited by the submitters: PubMed 17576681 (cited by Labcorp Genetics (formerly Invitae), Labcorp); PubMed 9536098 (cited by Labcorp Genetics (formerly Invitae), Labcorp).